The following is an entry in ClinVar:

ClinVar aggregate classification (germline): Uncertain significance (1 of 4 stars; one submission).

Conditions:
Chopra-Amiel-Gordon syndrome (CAGS). Also called: ANKRD17-Related Neurodevelopmental Syndrome. Identifiers: MedGen C5561975, MONDO:0859186, OMIM 619504.

Submission:

Dasa
Classification: Uncertain significance for Chopra-Amiel-Gordon syndrome. Last evaluated: 2025-10-04. Review status: criteria provided, single submitter. Criteria: DASA Assertion Criteria. Collection method: clinical testing. Allele origin: germline.
Comment: NM_032217.5(ANKRD17):c.5170G>A (p.Val1724Ile) is a missense variant that results in the substitution of valine with isoleucine. This variant is absent from population databases. The currently available literature and clinical evidence are not sufficient to establish a definitive association between this variant and the reported condition. Therefore, this variant is classified as a variant of uncertain significance.

NM_032217.5(ANKRD17):c.5170G>A (p.Val1724Ile)

Gene: ANKRD17 (ankyrin repeat domain 17; minus strand). Cytogenetic location: 4q13.3.
Variant type: single nucleotide variant.
Coding change: c.5170G>A on transcript NM_032217.5 (MANE Select); coding-DNA position 5170, G replaced by A.
Protein change: p.Val1724Ile; replaces valine 1724 with isoleucine.
Molecular consequence: missense variant.
Genome position (GRCh38, 1-based): chr4:73,097,124, C>T on the plus strand (G>A on the coding strand, the complement: ANKRD17 is on the minus strand). VCF-style: chr4-73097124-C-T. GRCh37 (hg19) VCF-style: chr4-73962841-C-T.
Other names: c.4831G>A, p.Val1611Ile (NM_001286771.3); c.5167G>A, p.Val1723Ile (NM_015574.2); c.4417G>A, p.Val1473Ile (NM_198889.3); short protein forms V1473I, V1611I, V1723I, V1724I.
Identifiers: ClinVar variation 4880948 (VCV004880948.2).